The following is an entry in ClinVar:

ClinVar aggregate classification (germline): Benign (0 of 4 stars; one submission).

Conditions:
CYP3A5-related disorder. Also called: CYP3A5-related condition.

Allele frequency attached by ClinVar (database versions not stated): gnomAD exomes 0.00029; ExAC 0.00116; 1000 Genomes Project 0.00300; 1000 Genomes Project 30x 0.00406.
gnomAD v4.1: 924 of 1,569,274 alleles (0.059%); highest among the groups gnomAD compares: African/African-American, 1.1%; 4 homozygotes.

Submission:

PreventionGenetics, part of Exact Sciences
Classification: Benign for CYP3A5-related condition. Last evaluated: 2019-02-18. Review status: no assertion criteria provided. Collection method: clinical testing. Allele origin: germline.
Comment: This variant is classified as benign based on ACMG/AMP sequence variant interpretation guidelines (Richards et al. 2015 PMID: 25741868, with internal and published modifications).

NM_000777.5(CYP3A5):c.72-111C>T

Genes: CYP3A5 (cytochrome P450 family 3 subfamily A member 5; minus strand), ZSCAN25 (zinc finger and SCAN domain containing 25; plus strand). Cytogenetic location: 7q22.1.
Variant type: single nucleotide variant.
Coding change: c.72-111C>T on transcript NM_000777.5 (MANE Select); 111 bases into the intron before coding-DNA position 72, C replaced by T.
Molecular consequence: intron variant. On other transcripts: 5 prime UTR variant (1), synonymous variant (1), non-coding transcript variant (1).
Genome position (GRCh38, 1-based): chr7:99,676,319, G>A on the plus strand (C>T on the coding strand, the complement: CYP3A5 is on the minus strand). VCF-style: chr7-99676319-G-A. GRCh37 (hg19) VCF-style: chr7-99273942-G-A.
Other names: c.-511C>T (NM_001291829.2); c.39C>T, p.Ile13= (NM_001291830.2); c.72-111C>T (NM_001190484.3).
Identifiers: ClinVar variation 3044339 (VCV003044339.2), dbSNP rs115267978, ClinGen allele CA4368778.